The following is an entry in ClinVar:

NM_144997.7(FLCN):c.1599_1600dup (p.Lys534fs)

Gene: FLCN (folliculin; minus strand). Cytogenetic location: 17p11.2.
Variant type: Duplication.
Coding change: c.1599_1600dup on transcript NM_144997.7 (MANE Select); coding-DNA positions 1599 to 1600, 2 bases duplicated (GA; older notation c.1599_1600dupGA).
Protein change: p.Lys534fs; shifts the reading frame from lysine 534.
Molecular consequence: frameshift variant.
Genome position (GRCh38, 1-based): chr17:17,213,795-17,213,796, TC duplicated on the plus strand (GA on the coding strand, the reverse complement: FLCN is on the minus strand); duplicating any 2 consecutive bases within chr17:17,213,795-17,213,797 gives the same sequence; the c. name uses the placement nearest the transcript's 3' end. VCF-style (leftmost placement, unchanged base first): chr17-17213794-T-TTC. GRCh37 (hg19) VCF-style: chr17-17117108-T-TTC.
Other names: c.1599_1600dup (LRG_325t1); c.1653_1654dup, p.Lys552fs (NM_001353229.2); c.1599_1600dup, p.Lys534fs (NM_001353230.2, NM_001353231.2); c.1599_1600dupGA (NM_144997.5); short protein forms K534fs, K552fs.
Identifiers: ClinVar variation 460604 (VCV000460604.6), dbSNP rs1439151268, ClinGen allele CA658656529.
Genomic context (GRCh38, chr17:17,213,794, plus strand): 5'-ATCCAGAACTTCAGCAGCTTGACATTGTCCTCCTCGGACGCACCCAGGATGCTCAGCAGC[T>TTC]TCTGTGTGTCCTCTTTGGGTCGACTGTCCACCTTGGTGAACTTAAAAAGCACCTTCACTT-3'

ClinVar aggregate classification (germline): Pathogenic (1 of 4 stars; one submission).

Conditions:
Birt-Hogg-Dube syndrome. Also called: Birt Hogg Dubé syndrome. Identifiers: Orphanet 122, MedGen C0346010, MONDO:0800444.

Submission:

Labcorp Genetics (formerly Invitae), Labcorp
Classification: Pathogenic for Birt-Hogg-Dube syndrome. Last evaluated: 2022-01-17. Review status: criteria provided, single submitter. Criteria: Invitae Variant Classification Sherloc (09022015). Collection method: clinical testing. Allele origin: germline.
Comment: For these reasons, this variant has been classified as Pathogenic. This variant disrupts a region of the FLCN protein in which other variant(s) (p.Trp553Arg) have been determined to be pathogenic (Invitae; external communications). This suggests that this is a clinically significant region of the protein, and that variants that disrupt it are likely to be disease-causing. This variant disrupts the FNIP1/2 interaction domain, which has been shown to be important for AMPK-mediated mTOR signaling pathways (PMID: 17028174, 18403135, 18663353, 22977732). While functional studies have not been performed to directly test the effect of this variant on FLCN protein function, this suggests that disruption of this region of the protein may be causative of disease. ClinVar contains an entry for this variant (Variation ID: 460604). This variant has not been reported in the literature in individuals affected with FLCN-related conditions. This variant is not present in population databases (gnomAD no frequency). This sequence change creates a premature translational stop signal (p.Lys534Argfs*4) in the FLCN gene. While this is not anticipated to result in nonsense mediated decay, it is expected to disrupt the last 46 amino acid(s) of the FLCN protein.

Literature cited by the submitters: PubMed 17028174; PubMed 18403135; PubMed 18663353; PubMed 22977732.